The following is an entry in ClinVar:

ClinVar aggregate classification (germline): Likely pathogenic. Review status: criteria provided, single submitter (1 of 4 stars). 2 submissions from 2 submitters: Likely pathogenic (1). 1 of the submissions does not count toward it. Last evaluated 2025-11-22.

Conditions:
MEIS2-related disorder.
Cardiac malformation, cleft lip/palate, microcephaly, and digital anomalies. Also called: CLEFT PALATE, CARDIAC DEFECTS, AND IMPAIRED INTELLECTUAL DEVELOPMENT. Identifiers: MedGen C1832950, MONDO:0010970, OMIM 600987.

Submissions (2):

Genetics and Genomic Medicine Centre, NeuroGen Healthcare, NeuroGen Healthcare
Classification: Likely pathogenic for Cardiac malformation, cleft lip/palate, microcephaly, and digital anomalies. Last evaluated: 2025-11-22. Review status: criteria provided, single submitter. Criteria: ACMG Guidelines, 2015. Collection method: clinical testing. Allele origin: unknown. Affected: yes.

PreventionGenetics, part of Exact Sciences
Classification: Likely pathogenic for MEIS2-related condition. Last evaluated: 2023-12-21. Review status: no assertion criteria provided. Collection method: clinical testing. Allele origin: germline. Not counted in ClinVar's aggregate classification.
Comment: The MEIS2 c.388-1G>A variant is predicted to disrupt the AG splice acceptor site and interfere with normal splicing. To our knowledge, this variant has not been reported in the literature or in a large population database, indicating this variant is rare. Variants that disrupt the consensus splice acceptor site in MEIS2 are expected to be pathogenic. This variant is interpreted as likely pathogenic.

NM_170675.5(MEIS2):c.388-1G>A

Gene: MEIS2 (Meis homeobox 2; minus strand). Cytogenetic location: 15q14.
Variant type: single nucleotide variant.
Coding change: c.388-1G>A on transcript NM_170675.5 (MANE Select); the canonical splice acceptor site of the intron before coding-DNA position 388, G replaced by A.
Molecular consequence: splice acceptor variant.
Genome position (GRCh38, 1-based): chr15:37,095,615, C>T on the plus strand (G>A on the coding strand, the complement: MEIS2 is on the minus strand). VCF-style: chr15-37095615-C-T. GRCh37 (hg19) VCF-style: chr15-37387816-C-T.
Other names: c.349-1G>A (NM_002399.4, NM_172315.3); c.388-1G>A (NM_001220482.2, NM_170676.5, NM_170674.5 and 1 more transcripts); c.124-1G>A (NM_172316.3).
Identifiers: ClinVar variation 3032205 (VCV003032205.3), dbSNP rs2505246796, ClinGen allele CA391928472.